The following is an entry in ClinVar:

NM_000135.4(FANCA):c.1085T>C (p.Leu362Pro)

Gene: FANCA (FA complementation group A; minus strand). Cytogenetic location: 16q24.3.
Variant type: single nucleotide variant.
Coding change: c.1085T>C on transcript NM_000135.4 (MANE Select); coding-DNA position 1085, T replaced by C.
Protein change: p.Leu362Pro; replaces leucine 362 with proline.
Molecular consequence: missense variant.
Genome position (GRCh38, 1-based): chr16:89,792,067, A>G on the plus strand (T>C on the coding strand, the complement: FANCA is on the minus strand). VCF-style: chr16-89792067-A-G. GRCh37 (hg19) VCF-style: chr16-89858475-A-G.
Other names: c.1085T>C, p.Leu362Pro (NM_001286167.3); short protein forms L362P.
Identifiers: ClinVar variation 974004 (VCV000974004.1), dbSNP rs2040094645, ClinGen allele CA397466421.
Genomic context (GRCh38, chr16:89,792,067, plus strand): 5'-TGCGTTTCCAGAACTTCTTGCAAATGGCCAACCAACTCCTCTGCACTCAGCATCACAAAG[A>G]GCTGAAATAAAAGCATCCGCTCCCTTCAATATCCAAGCAAACCAATGTGCGACAGATGAC-3'
Protein context (NP_000126.2, residues 352-372): HPLLTSLYRR[Leu362Pro]FVMLSAEELV

ClinVar aggregate classification (germline): Pathogenic (0 of 4 stars; one submission).

Conditions:
Fanconi anemia complementation group A (FANCA). Also called: Fanconi anemia, group A; FANCA-Related Fanconi Anemia. Identifiers: Orphanet 84, MedGen C3469521, MONDO:0009215, OMIM 227650.

Submission:

Leiden Open Variation Database
Classification: Pathogenic for Fanconi anemia complementation group A. Last evaluated: 2020-02-28. Review status: no assertion criteria provided. Collection method: curation. Allele origin: germline. Affected: yes.
Comment: Curator: Arleen D. Auerbach. Submitter to LOVD: Johan de Winter.

Literature cited by the submitters: PubMed 22778927.